The following is an entry in ClinVar:

NM_001374385.1(ATP8B1):c.2988C>T (p.Pro996=)

Genes: ATP8B1 (ATPase phospholipid transporting 8B1; minus strand), ATP8B1-AS1 (ATP8B1 antisense RNA 1; plus strand). Cytogenetic location: 18q21.31.
Variant type: single nucleotide variant.
Coding change: c.2988C>T on transcript NM_001374385.1 (MANE Select); coding-DNA position 2988, C replaced by T.
Protein change: p.Pro996=; no amino-acid change (proline 996 retained).
Molecular consequence: synonymous variant.
Genome position (GRCh38, 1-based): chr18:57,654,019, G>A on the plus strand (C>T on the coding strand, the complement: ATP8B1 is on the minus strand). VCF-style: chr18-57654019-G-A. GRCh37 (hg19) VCF-style: chr18-55321251-G-A.
Other names: c.2838C>T, p.Pro946= (NM_001374386.1); c.2988C>T, p.Pro996= (NM_005603.6).
Identifiers: ClinVar variation 327471 (VCV000327471.8), dbSNP rs776385207, ClinGen allele CA10651147.

ClinVar aggregate classification (germline): Conflicting classifications of pathogenicity. Review status: criteria provided, conflicting classifications (1 of 4 stars). 3 submissions from 3 submitters: Uncertain significance (1); Likely benign (2). Last evaluated 2024-01-14.

Conditions:
Progressive familial intrahepatic cholestasis type 1. Also called: BYLER DISEASE; Byler's disease; Severe ATP8B1 Deficiency (Progressive Familial Intrahepatic Cholestasis Type 1 [PFIC1]). Identifiers: Orphanet 79306, MedGen C4551898, MONDO:0008892, OMIM 211600.

Allele frequency attached by ClinVar (database versions not stated): gnomAD exomes 0.00001 and 0.00007; TOPMed 0.00005; gnomAD 0.00006.
gnomAD v4.1: 105 of 1,613,900 alleles (0.0065%); highest among the groups gnomAD compares: Non-Finnish European, 0.0081%; no homozygotes.

Submissions (3):

Labcorp Genetics (formerly Invitae), Labcorp
Classification: Likely benign. Last evaluated: 2024-01-14. Review status: criteria provided, single submitter. Criteria: Invitae Variant Classification Sherloc (09022015). Collection method: clinical testing. Allele origin: germline.

Illumina Laboratory Services, Illumina
Classification: Uncertain significance for Progressive familial intrahepatic cholestasis type 1. Last evaluated: 2018-01-13. Review status: criteria provided, single submitter. Criteria: ICSL Variant Classification Criteria 13 December 2019. Collection method: clinical testing. Allele origin: germline.

GeneDx
Classification: Likely benign. Last evaluated: 2016-09-02. Review status: criteria provided, single submitter. Criteria: GeneDx Variant Classification (06012015). Collection method: clinical testing. Allele origin: germline. Affected: yes.
Comment: This variant is considered likely benign or benign based on one or more of the following criteria: it is a conservative change, it occurs at a poorly conserved position in the protein, it is predicted to be benign by multiple in silico algorithms, and/or has population frequency not consistent with disease.